The following is an entry in ClinVar:

NM_006618.5(KDM5B):c.1472T>C (p.Met491Thr)

Gene: KDM5B (lysine demethylase 5B; minus strand). Cytogenetic location: 1q32.1.
Variant type: single nucleotide variant.
Coding change: c.1472T>C on transcript NM_006618.5 (MANE Select); coding-DNA position 1472, T replaced by C.
Protein change: p.Met491Thr; replaces methionine 491 with threonine.
Molecular consequence: missense variant.
Genome position (GRCh38, 1-based): chr1:202,755,337, A>G on the plus strand (T>C on the coding strand, the complement: KDM5B is on the minus strand). VCF-style: chr1-202755337-A-G. GRCh37 (hg19) VCF-style: chr1-202724465-A-G.
Other names: c.1580T>C, p.Met527Thr (NM_001314042.2); c.1337T>C, p.Met446Thr (NM_001347591.2); c.1457T>C, p.Met486Thr (NM_001399817.1); short protein forms M446T, M486T, M491T, M527T.
Identifiers: ClinVar variation 4532574 (VCV004532574.1).

ClinVar aggregate classification (germline): Uncertain significance (1 of 4 stars; one submission).

Submission:

GeneDx
Classification: Uncertain significance. Last evaluated: 2025-05-30. Review status: criteria provided, single submitter. Criteria: GeneDx Variant Classification Process June 2021. Collection method: clinical testing. Allele origin: germline. Affected: yes.
Comment: Not observed at significant frequency in large population cohorts (gnomAD); In silico analysis supports that this missense variant has a deleterious effect on protein structure/function; Has not been previously published as pathogenic or benign to our knowledge